The following is an entry in ClinVar:

NM_001365536.1(SCN9A):c.4652A>G (p.Asn1551Ser)

Genes: SCN1A-AS1 (SCN1A and SCN9A antisense RNA 1; plus strand), SCN9A (sodium voltage-gated channel alpha subunit 9; minus strand). Cytogenetic location: 2q24.3.
Variant type: single nucleotide variant.
Coding change: c.4652A>G on transcript NM_001365536.1 (MANE Select); coding-DNA position 4652, A replaced by G.
Protein change: p.Asn1551Ser; replaces asparagine 1551 with serine.
Molecular consequence: missense variant.
Genome position (GRCh38, 1-based): chr2:166,204,077, T>C on the plus strand (A>G on the coding strand, the complement: SCN9A is on the minus strand). VCF-style: chr2-166204077-T-C. GRCh37 (hg19) VCF-style: chr2-167060587-T-C.
Other names: c.4619A>G, p.Asn1540Ser (NM_002977.4); short protein forms N1540S, N1551S.
Identifiers: ClinVar variation 1432884 (VCV001432884.8), dbSNP rs2106346237, ClinGen allele CA349057544.

ClinVar aggregate classification (germline): Uncertain significance (1 of 4 stars; one submission).

Conditions:
Generalized epilepsy with febrile seizures plus, type 7 (GEFSP7). Also called: GEFS+, TYPE 7. Identifiers: Orphanet 36387, MedGen C2751778, MONDO:0013470, OMIM 613863.
Neuropathy, hereditary sensory and autonomic, type 2A (HSAN2A). Also called: HSAN IIA; ACROOSTEOLYSIS, GIACCAI TYPE; ACROOSTEOLYSIS, NEUROGENIC; NEUROPATHY, CONGENITAL SENSORY; NEUROPATHY, HEREDITARY SENSORY RADICULAR, AUTOSOMAL RECESSIVE; NEUROPATHY, HEREDITARY SENSORY, TYPE IIA. Identifiers: Orphanet 970, MedGen C2752089, MONDO:0024309, OMIM 201300.

Submission:

Labcorp Genetics (formerly Invitae), Labcorp
Classification: Uncertain significance for Neuropathy, hereditary sensory and autonomic, type 2A; Generalized epilepsy with febrile seizures plus, type 7. Last evaluated: 2023-06-13. Review status: criteria provided, single submitter. Criteria: Invitae Variant Classification Sherloc (09022015). Collection method: clinical testing. Allele origin: germline.
Comment: In summary, the available evidence is currently insufficient to determine the role of this variant in disease. Therefore, it has been classified as a Variant of Uncertain Significance. Advanced modeling of protein sequence and biophysical properties (such as structural, functional, and spatial information, amino acid conservation, physicochemical variation, residue mobility, and thermodynamic stability) has been performed at Invitae for this missense variant, however the output from this modeling did not meet the statistical confidence thresholds required to predict the impact of this variant on SCN9A protein function. ClinVar contains an entry for this variant (Variation ID: 1432884). This variant has not been reported in the literature in individuals affected with SCN9A-related conditions. This variant is not present in population databases (gnomAD no frequency). This sequence change replaces asparagine, which is neutral and polar, with serine, which is neutral and polar, at codon 1540 of the SCN9A protein (p.Asn1540Ser).